The following is an entry in ClinVar:

ClinVar aggregate classification (germline): Likely benign. Review status: criteria provided, multiple submitters, no conflicts (2 of 4 stars). 3 submissions from 3 submitters: Likely benign (2). 1 of the submissions does not count toward it. Last evaluated 2025-07-28.

Conditions:
LIPA-related disorder. Also called: LIPA-related disorders; LIPA-related condition.
Cardiovascular phenotype. Identifiers: MedGen CN230736.
Wolman disease (WOLD). Also called: Wolman disease with hypolipoproteinemia and acanthocytosis; Infantile-Onset LAL-D (Wolman Disease); Wolman disease, CESD; LYSOSOMAL ACID LIPASE DEFICIENCY, ACUTE INFANTILE; LYSOSOMAL ACID LIPASE DEFICIENCY, COMPLETE; LIPA DEFICIENCY, COMPLETE. Identifiers: Orphanet 75233, MedGen C0043208, MONDO:0019148, OMIM 620151.

Allele frequency attached by ClinVar (database versions not stated): gnomAD exomes below 0.00001.
gnomAD v4.1: 2 of 1,614,072 alleles (0.00012%); highest among the groups gnomAD compares: Non-Finnish European, 0.00017%; no homozygotes.

Submissions (3):

Ambry Genetics
Classification: Likely benign for Cardiovascular phenotype. Last evaluated: 2025-07-28. Review status: criteria provided, single submitter. Criteria: Ambry Variant Classification Scheme 2023. Collection method: clinical testing. Allele origin: germline.

Labcorp Genetics (formerly Invitae), Labcorp
Classification: Likely benign for Wolman disease. Last evaluated: 2024-05-31. Review status: criteria provided, single submitter. Criteria: Invitae Variant Classification Sherloc (09022015). Collection method: clinical testing. Allele origin: germline.

PreventionGenetics, part of Exact Sciences
Classification: Likely benign for LIPA-related condition. Last evaluated: 2023-04-07. Review status: no assertion criteria provided. Collection method: clinical testing. Allele origin: germline. Not counted in ClinVar's aggregate classification.
Comment: This variant is classified as likely benign based on ACMG/AMP sequence variant interpretation guidelines (Richards et al. 2015 PMID: 25741868, with internal and published modifications).

NM_000235.4(LIPA):c.690C>T (p.Asp230=)

Gene: LIPA (lipase A, lysosomal acid type; minus strand). Cytogenetic location: 10q23.31.
Variant type: single nucleotide variant.
Coding change: c.690C>T on transcript NM_000235.4 (MANE Select); coding-DNA position 690, C replaced by T.
Protein change: p.Asp230=; no amino-acid change (aspartic acid 230 retained).
Molecular consequence: synonymous variant.
Genome position (GRCh38, 1-based): chr10:89,223,816, G>A on the plus strand (C>T on the coding strand, the complement: LIPA is on the minus strand). VCF-style: chr10-89223816-G-A. GRCh37 (hg19) VCF-style: chr10-90983573-G-A.
Other names: c.690C>T (NM_000235.3, NM_000235.2); c.690C>T, p.Asp230= (NM_001127605.3); c.342C>T, p.Asp114= (NM_001288979.2).
Identifiers: ClinVar variation 1138060 (VCV001138060.12), dbSNP rs1409978506, ClinGen allele CA470737855.
Genomic context (GRCh38, chr10:89,223,816, plus strand): 5'-ATGAGTGCAAACGTGGGTACCCAGCCACTTCAAAAACGCACTCTGGGGAAGAAATTCTTT[G>A]TCTCCAAATAAGTCCTACAAAATAAAAAGAAACCCAAGAACATCTCAGCATTTCACTCTG-3'
Protein context (NP_000226.2, residues 220-240): PDHLIKDLFG[Asp230=]KEFLPQSAFL